The following is an entry in ClinVar:

ClinVar aggregate classification (germline): Likely benign (1 of 4 stars; one submission).

Submission:

Mayo Clinic Laboratories, Mayo Clinic
Classification: Likely benign. Last evaluated: 2025-08-07. Review status: criteria provided, single submitter. Criteria: ACMG Guidelines, 2015. Collection method: clinical testing. Allele origin: germline. Observed: 1 variant allele.
Comment: BP4, BP7

NM_025137.4(SPG11):c.4980T>C (p.Ile1660=)

Gene: SPG11 (SPG11 vesicle trafficking associated, spatacsin; minus strand). Cytogenetic location: 15q21.1.
Variant type: single nucleotide variant.
Coding change: c.4980T>C on transcript NM_025137.4 (MANE Select); coding-DNA position 4980, T replaced by C.
Protein change: p.Ile1660=; no amino-acid change (isoleucine 1660 retained).
Molecular consequence: synonymous variant.
Genome position (GRCh38, 1-based): chr15:44,585,777, A>G on the plus strand (T>C on the coding strand, the complement: SPG11 is on the minus strand). VCF-style: chr15-44585777-A-G. GRCh37 (hg19) VCF-style: chr15-44877975-A-G.
Other names: p.Ile1660=; c.4980T>C, p.Ile1660= (NM_001160227.2, NM_001411132.1).
Identifiers: ClinVar variation 4683972 (VCV004683972.1).